The following is an entry in ClinVar:

NM_001367774.2(BCLAF3):c.1450+1G>A

Gene: BCLAF3 (BCLAF1 and THRAP3 family member 3; minus strand). Cytogenetic location: Xp22.12.
Variant type: single nucleotide variant.
Coding change: c.1450+1G>A on transcript NM_001367774.2 (MANE Select); the canonical splice donor site of the intron after coding-DNA position 1450, G replaced by A.
Molecular consequence: splice donor variant.
Genome position (GRCh38, 1-based): chrX:19,955,390, C>T on the plus strand (G>A on the coding strand, the complement: BCLAF3 is on the minus strand). VCF-style: chrX-19955390-C-T. GRCh37 (hg19) VCF-style: chrX-19973508-C-T.
Other names: c.1450+1G>A (NM_198279.4).
Identifiers: ClinVar variation 2660136 (VCV002660136.24), dbSNP rs2071628098, ClinGen allele CA412502391.

ClinVar aggregate classification (germline): Uncertain significance (1 of 4 stars; one submission).

Submission:

CeGaT Center for Human Genetics Tuebingen
Classification: Uncertain significance. Last evaluated: 2023-06-01. Review status: criteria provided, single submitter. Criteria: CeGaT Center For Human Genetics Tuebingen Variant Classification Criteria Version 2. Collection method: clinical testing. Allele origin: germline. Affected: yes. Observed: 1 variant allele.
Comment: BCLAF3: PM2